The following is an entry in ClinVar:

ClinVar aggregate classification (germline): Likely pathogenic. Review status: criteria provided, multiple submitters, no conflicts (2 of 4 stars). 2 submissions from 2 submitters: Likely pathogenic (2). Last evaluated 2024-06-12.

Conditions:
Marfan syndrome (MFS). Also called: MARFAN SYNDROME, TYPE I; FBN1-Related Marfan Syndrome; Marfan syndrome type 1; Marfan's syndrome; Marfan syndrome, classic. Identifiers: Orphanet 284963, Orphanet 558, MedGen C0024796, MONDO:0007947, OMIM 154700.
Familial thoracic aortic aneurysm and aortic dissection (TAAD). Also called: Thoracic aortic aneurysms and dissections. Identifiers: Orphanet 91387, MedGen C4707243, MONDO:0019625.

Submissions (2):

Labcorp Genetics (formerly Invitae), Labcorp
Classification: Likely pathogenic for Marfan syndrome; Familial thoracic aortic aneurysm and aortic dissection. Last evaluated: 2024-06-12. Review status: criteria provided, single submitter. Criteria: Invitae Variant Classification Sherloc (09022015). Collection method: clinical testing. Allele origin: germline.
Comment: This sequence change affects an acceptor splice site in intron 39 of the FBN1 gene. It is expected to disrupt RNA splicing. Variants that disrupt the donor or acceptor splice site typically lead to a loss of protein function (PMID: 16199547), and loss-of-function variants in FBN1 are known to be pathogenic (PMID: 17657824, 19293843). This variant is not present in population databases (gnomAD no frequency). Disruption of this splice site has been observed in individual(s) with clinical features of Marfan syndrome (Invitae). ClinVar contains an entry for this variant (Variation ID: 457225). Algorithms developed to predict the effect of sequence changes on RNA splicing suggest that this variant may disrupt the consensus splice site. In summary, the currently available evidence indicates that the variant is pathogenic, but additional data are needed to prove that conclusively. Therefore, this variant has been classified as Likely Pathogenic.

Ambry Genetics
Classification: Likely pathogenic for Familial thoracic aortic aneurysm and aortic dissection. Last evaluated: 2017-05-09. Review status: criteria provided, single submitter. Criteria: Ambry Variant Classification Scheme 2023. Collection method: clinical testing. Allele origin: germline.
Comment: The c.4817-2A>G intronic variant results from an A to G substitution two nucleotides upstream from coding exon 39 in the FBN1 gene. This nucleotide position is highly conserved in available vertebrate species. Using the BDGP and ESEfinder splice site prediction tools, this alteration is predicted to abolish the native splice acceptor site; however, direct evidence is unavailable. Alterations that disrupt the canonical splice site are expected to cause aberrant splicing, resulting in an abnormal protein or a transcript that is subject to nonsense-mediated mRNA decay. As such, this alteration is classified as likely pathogenic.

Literature cited by the submitters: PubMed 16199547 (cited by Labcorp Genetics (formerly Invitae), Labcorp); PubMed 17657824 (cited by Labcorp Genetics (formerly Invitae), Labcorp); PubMed 19293843 (cited by Labcorp Genetics (formerly Invitae), Labcorp); PubMed 12402346 (cited by Ambry Genetics); PubMed 14695540 (cited by Ambry Genetics).

NM_000138.5(FBN1):c.4817-2A>G

Gene: FBN1 (fibrillin 1; minus strand). Cytogenetic location: 15q21.1.
Variant type: single nucleotide variant.
Coding change: c.4817-2A>G on transcript NM_000138.5 (MANE Select); the canonical splice acceptor site of the intron before coding-DNA position 4817, A replaced by G.
Molecular consequence: splice acceptor variant.
Genome position (GRCh38, 1-based): chr15:48,465,695, T>C on the plus strand (A>G on the coding strand, the complement: FBN1 is on the minus strand). VCF-style: chr15-48465695-T-C. GRCh37 (hg19) VCF-style: chr15-48757892-T-C.
Other names: c.4817-2A>G (NM_001406716.1).
Identifiers: ClinVar variation 457225 (VCV000457225.9), dbSNP rs1555397008, ClinGen allele CA392351462.